The following is an entry in ClinVar:

NM_001365951.3(KIF1B):c.3610C>G (p.Leu1204Val)

Gene: KIF1B (kinesin family member 1B; plus strand). Cytogenetic location: 1p36.22.
Variant type: single nucleotide variant.
Coding change: c.3610C>G on transcript NM_001365951.3 (MANE Select); coding-DNA position 3610, C replaced by G.
Protein change: p.Leu1204Val; replaces leucine 1204 with valine.
Molecular consequence: missense variant.
Genome position (GRCh38, 1-based): chr1:10,342,146, C>G. VCF-style: chr1-10342146-C-G. GRCh37 (hg19) VCF-style: chr1-10402204-C-G.
Other names: c.3610C>G, p.Leu1204Val (NM_001365952.1); c.3472C>G, p.Leu1158Val (NM_015074.3); short protein forms L1158V, L1204V.
Identifiers: ClinVar variation 1731747 (VCV001731747.6), dbSNP rs950479247, ClinGen allele CA338341912.
Genomic context (GRCh38, chr1:10,342,146, plus strand): 5'-ATCAAAACCAAGCCTATTGTATTTGAAGTCTTTGGGCATTATCAGCAGCACCCACTTCAT[C>G]TGCAAGGACAGGAGCTTAACAGGTTTGGACCAGATAAGCAAACATTTTTGATGGTATTGT-3'
Protein context (NP_001352880.1, residues 1194-1214): FGHYQQHPLH[Leu1204Val]QGQELNSPPQ

ClinVar aggregate classification (germline): Uncertain significance. Review status: criteria provided, multiple submitters, no conflicts (2 of 4 stars). 2 submissions from 2 submitters: Uncertain significance (2). Last evaluated 2024-08-11.

Conditions:
Charcot-Marie-Tooth disease type 2. Also called: Charcot-Marie-Tooth type 2. Identifiers: Orphanet 64746, MedGen C0270914, MONDO:0018993.

Allele frequency attached by ClinVar (database versions not stated): gnomAD exomes 0.00001.
gnomAD v4.1: 7 of 1,610,322 alleles (0.00043%); highest among the groups gnomAD compares: Non-Finnish European, 0.00059%; no homozygotes.

Submissions (2):

Ambry Genetics
Classification: Uncertain significance. Last evaluated: 2024-08-11. Review status: criteria provided, single submitter. Criteria: Ambry Variant Classification Scheme 2023. Collection method: clinical testing. Allele origin: germline.
Comment: The p.L1158V variant (also known as c.3472C>G), located in coding exon 30 of the KIF1B gene, results from a C to G substitution at nucleotide position 3472. The leucine at codon 1158 is replaced by valine, an amino acid with highly similar properties. This amino acid position is conserved. In addition, this alteration is predicted to be tolerated by in silico analysis. Since supporting evidence is limited at this time, the clinical significance of this alteration remains unclear.

Labcorp Genetics (formerly Invitae), Labcorp
Classification: Uncertain significance for Charcot-Marie-Tooth disease type 2. Last evaluated: 2023-04-28. Review status: criteria provided, single submitter. Criteria: Invitae Variant Classification Sherloc (09022015). Collection method: clinical testing. Allele origin: germline.
Comment: In summary, the available evidence is currently insufficient to determine the role of this variant in disease. Therefore, it has been classified as a Variant of Uncertain Significance. An algorithm developed to predict the effect of missense changes on protein structure and function (PolyPhen-2) suggests that this variant is likely to be tolerated. ClinVar contains an entry for this variant (Variation ID: 1731747). This variant has not been reported in the literature in individuals affected with KIF1B-related conditions. This variant is not present in population databases (gnomAD no frequency). This sequence change replaces leucine, which is neutral and non-polar, with valine, which is neutral and non-polar, at codon 1158 of the KIF1B protein (p.Leu1158Val).